The following is an entry in ClinVar:

ClinVar aggregate classification (germline): Likely benign. Review status: criteria provided, multiple submitters, no conflicts (2 of 4 stars). 2 submissions from 2 submitters: Likely benign (2). Last evaluated 2025-10-22.

Allele frequency attached by ClinVar (database versions not stated): TOPMed 0.00008; gnomAD 0.00012 and 0.00013; gnomAD exomes 0.00016; ESP Exome Variant Server 0.00023.
gnomAD v4.1: 245 of 1,603,770 alleles (0.015%); highest among the groups gnomAD compares: Non-Finnish European, 0.02%; no homozygotes.

Submissions (2):

Labcorp Genetics (formerly Invitae), Labcorp
Classification: Likely benign. Last evaluated: 2025-10-22. Review status: criteria provided, single submitter. Criteria: Invitae Variant Classification Sherloc (09022015). Collection method: clinical testing. Allele origin: germline.

GeneDx
Classification: Likely benign. Last evaluated: 2018-01-05. Review status: criteria provided, single submitter. Criteria: GeneDx Variant Classification (06012015). Collection method: clinical testing. Allele origin: germline. Affected: yes.
Comment: This variant is considered likely benign or benign based on one or more of the following criteria: it is a conservative change, it occurs at a poorly conserved position in the protein, it is predicted to be benign by multiple in silico algorithms, and/or has population frequency not consistent with disease.

NM_004553.6(NDUFS6):c.51G>A (p.Ala17=)

Gene: NDUFS6 (NADH:ubiquinone oxidoreductase subunit S6; plus strand). Cytogenetic location: 5p15.33.
Variant type: single nucleotide variant.
Coding change: c.51G>A on transcript NM_004553.6 (MANE Select); coding-DNA position 51, G replaced by A.
Protein change: p.Ala17=; no amino-acid change (alanine 17 retained).
Molecular consequence: synonymous variant.
Genome position (GRCh38, 1-based): chr5:1,801,468, G>A. VCF-style: chr5-1801468-G-A. GRCh37 (hg19) VCF-style: chr5-1801582-G-A.
Identifiers: ClinVar variation 516385 (VCV000516385.8), dbSNP rs147046972, ClinGen allele CA3187531.